The following is an entry in ClinVar:

NM_198428.3(BBS9):c.745T>C (p.Cys249Arg)

Gene: BBS9 (Bardet-Biedl syndrome 9; plus strand). Cytogenetic location: 7p14.3.
Variant type: single nucleotide variant.
Coding change: c.745T>C on transcript NM_198428.3 (MANE Select); coding-DNA position 745, T replaced by C.
Protein change: p.Cys249Arg; replaces cysteine 249 with arginine.
Molecular consequence: missense variant. On other transcripts: non-coding transcript variant (3).
Genome position (GRCh38, 1-based): chr7:33,273,054, T>C. VCF-style: chr7-33273054-T-C. GRCh37 (hg19) VCF-style: chr7-33312666-T-C.
Other names: c.745T>C, p.Cys249Arg (NM_001033604.2, NM_001033605.2, NM_001348036.1 and 7 more transcripts); c.379T>C, p.Cys127Arg (NM_001348037.3, NM_001348044.3, NM_001348045.3 and 1 more transcripts); c.472T>C, p.Cys158Arg (NM_001348038.3, NM_001348039.3); c.610T>C, p.Cys204Arg (NM_001348042.3); short protein forms C127R, C158R, C204R, C249R.
Identifiers: ClinVar variation 2178342 (VCV002178342.3), dbSNP rs748355352, ClinGen allele CA4214103.

ClinVar aggregate classification (germline): Uncertain significance (1 of 4 stars; one submission).

Conditions:
Bardet-Biedl syndrome (BBS). Identifiers: Orphanet 110, MedGen C0752166, MONDO:0015229.

Allele frequency attached by ClinVar (database versions not stated): gnomAD exomes below 0.00001; ExAC 0.00002.
gnomAD v4.1: 5 of 1,613,774 alleles (0.00031%); highest among the groups gnomAD compares: Non-Finnish European, 0.00034%; no homozygotes.

Submission:

Labcorp Genetics (formerly Invitae), Labcorp
Classification: Uncertain significance for Bardet-Biedl syndrome. Last evaluated: 2022-10-19. Review status: criteria provided, single submitter. Criteria: Invitae Variant Classification Sherloc (09022015). Collection method: clinical testing. Allele origin: germline.
Comment: This sequence change replaces cysteine, which is neutral and slightly polar, with arginine, which is basic and polar, at codon 249 of the BBS9 protein (p.Cys249Arg). This variant is present in population databases (rs748355352, gnomAD 0.003%). This variant has not been reported in the literature in individuals affected with BBS9-related conditions. Advanced modeling of protein sequence and biophysical properties (such as structural, functional, and spatial information, amino acid conservation, physicochemical variation, residue mobility, and thermodynamic stability) performed at Invitae indicates that this missense variant is not expected to disrupt BBS9 protein function. Algorithms developed to predict the effect of sequence changes on RNA splicing suggest that this variant may disrupt the consensus splice site. In summary, the available evidence is currently insufficient to determine the role of this variant in disease. Therefore, it has been classified as a Variant of Uncertain Significance.